The following is an entry in ClinVar:

NM_006231.4(POLE):c.2818A>G (p.Met940Val)

Gene: POLE (DNA polymerase epsilon, catalytic subunit; minus strand). Cytogenetic location: 12q24.33.
Variant type: single nucleotide variant.
Coding change: c.2818A>G on transcript NM_006231.4 (MANE Select); coding-DNA position 2818, A replaced by G.
Protein change: p.Met940Val; replaces methionine 940 with valine.
Molecular consequence: missense variant.
Genome position (GRCh38, 1-based): chr12:132,661,573, T>C on the plus strand (A>G on the coding strand, the complement: POLE is on the minus strand). VCF-style: chr12-132661573-T-C. GRCh37 (hg19) VCF-style: chr12-133238159-T-C.
Other names: short protein forms M940V.
Identifiers: ClinVar variation 246345 (VCV000246345.22), dbSNP rs148382941, ClinGen allele CA6893441.
Genomic context (GRCh38, chr12:132,661,573, plus strand): 5'-TATGAGAGTCCCACCTCTTCTTCAATTTCTTGCCTTCTTCCTTGGAGGCTGGAAGAATCA[T>C]GGCAAGGTAGGGCCCATCAACCTCAAAAAAGATGCTGTTCTCTGAGCGGGTGACGTAGGT-3'
Protein context (NP_006222.2, residues 930-950): FFEVDGPYLA[Met940Val]ILPASKEEGK

ClinVar aggregate classification (germline): Conflicting classifications of pathogenicity. Review status: criteria provided, conflicting classifications (1 of 4 stars). 5 submissions from 5 submitters: Uncertain significance (4); Likely benign (1). Last evaluated 2025-12-24.

Conditions:
Facial dysmorphism-immunodeficiency-livedo-short stature syndrome. Also called: Facial dysmorphism, immunodeficiency, livedo, and short stature; FILS syndrome. Identifiers: Orphanet 352712, MedGen C3554576, MONDO:0014058, OMIM 615139.
Intrauterine growth retardation, metaphyseal dysplasia, adrenal hypoplasia congenita, genital anomalies, and immunodeficiency. Also called: IMAGEI SYNDROME. Identifiers: MedGen C5193036, MONDO:0032684, OMIM 618336.
Colorectal cancer, susceptibility to, 12 (CRCS12). Also called: COLORECTAL CANCER, SUSCEPTIBILITY TO, ON CHROMOSOME 12q24. Identifiers: Orphanet 220460, MedGen C3554460, MONDO:0014038, OMIM 615083.
Hereditary cancer-predisposing syndrome. Also called: Hereditary neoplastic syndrome; Neoplastic Syndromes, Hereditary; Tumor predisposition; Hereditary Cancer Syndrome. Identifiers: Orphanet 140162, MedGen C0027672, MeSH D009386, MONDO:0015356.

Allele frequency attached by ClinVar (database versions not stated): ExAC 0.00004; gnomAD 0.00004 and 0.00005; gnomAD exomes 0.00004 and 0.00007; TOPMed 0.00006; ESP Exome Variant Server 0.00008.
gnomAD v4.1: 60 of 1,614,060 alleles (0.0037%); highest among the groups gnomAD compares: Non-Finnish European, 0.0016%; no homozygotes.

Submissions (5):

Labcorp Genetics (formerly Invitae), Labcorp
Classification: Likely benign. Last evaluated: 2025-12-24. Review status: criteria provided, single submitter. Criteria: Invitae Variant Classification Sherloc (09022015). Collection method: clinical testing. Allele origin: germline.

St. Jude Molecular Pathology, St. Jude Children's Research Hospital
Classification: Uncertain significance for Colorectal cancer, susceptibility to, 12. Last evaluated: 2025-06-17. Review status: criteria provided, single submitter. Criteria: St. Jude Assertion Criteria 2020. Collection method: clinical testing. Allele origin: germline.
Comment: The POLE c.2818A>G p.(Met940Val) missense change has a maximum subpopulation frequency of 0.006% in gnomAD v2.1.1. The in silico tool REVEL predicts a deleterious effect on protein function, but to our knowledge this prediction has not been confirmed by functional studies. To our knowledge, this variant has not been reported in the literature in individuals with POLE-related disease. In summary, the evidence currently available is insufficient to determine the clinical significance of this variant. It has therefore been classified as of uncertain significance.

Ambry Genetics
Classification: Uncertain significance for Hereditary cancer-predisposing syndrome. Last evaluated: 2024-12-12. Review status: criteria provided, single submitter. Criteria: Ambry Variant Classification Scheme 2023. Collection method: clinical testing. Allele origin: germline.
Comment: The p.M940V variant (also known as c.2818A>G), located in coding exon 24 of the POLE gene, results from an A to G substitution at nucleotide position 2818. The methionine at codon 940 is replaced by valine, an amino acid with highly similar properties. This amino acid position is highly conserved in available vertebrate species. In addition, the in silico prediction for this alteration is inconclusive. Based on the available evidence, the clinical significance of this variant remains unclear.

GeneDx
Classification: Uncertain significance. Last evaluated: 2024-11-04. Review status: criteria provided, single submitter. Criteria: GeneDx Variant Classification Process June 2021. Collection method: clinical testing. Allele origin: germline. Affected: yes.
Comment: In silico analysis supports that this missense variant has a deleterious effect on protein structure/function; This variant is associated with the following publications: (PMID: 23292937, 28873162, 26580448, 20951805)

Fulgent Genetics
Classification: Uncertain significance for Colorectal cancer, susceptibility to, 12; Facial dysmorphism-immunodeficiency-livedo-short stature syndrome; Intrauterine growth retardation, metaphyseal dysplasia, adrenal hypoplasia congenita, genital anomalies, and immunodeficiency. Last evaluated: 2024-02-20. Review status: criteria provided, single submitter. Criteria: ACMG Guidelines, 2015. Collection method: clinical testing. Allele origin: germline.